The following is an entry in ClinVar:

NC_000017.11:g.(?_58720746)_(58734342_?)del

Gene: RAD51C (RAD51 paralog C; plus strand). Cytogenetic location: 17q22.
Variant type: Deletion.
Identifiers: ClinVar variation 417480 (VCV000417480.1).

ClinVar aggregate classification (germline): Pathogenic (1 of 4 stars; one submission).

Conditions:
Fanconi anemia complementation group O. Also called: RAD51C-Related Fanconi Anemia. Identifiers: Orphanet 84, MedGen C3150653, MONDO:0013248, OMIM 613390.

Submission:

Labcorp Genetics (formerly Invitae), Labcorp
Classification: Pathogenic for Fanconi anemia complementation group O. Last evaluated: 2016-12-05. Review status: criteria provided, single submitter. Criteria: Invitae Variant Classification Sherloc (09022015). Collection method: clinical testing. Allele origin: germline.
Comment: This variant is a gross deletion of the genomic region encompassing exons 6 to 9 of the RAD51C gene. The 5' boundary is likely confined to intron 5. The 3' end of this event is unknown as it extends through the termination codon beyond the assayed region for this gene and may encompass additional genes. While this deletion is not anticipated to result in nonsense mediated decay, it is expected to create a truncated protein product or disrupt mRNA translation. This variant has not been reported in the literature in an individual with a RAD51C-related disease. This variant is expected to cause the loss or disruption of 97 C-terminal amino acid residues from the RAD51C protein. While the effect of this particular sequence change on RAD51C function has not been tested, the C-terminal region of RAD51C is known to contain a nuclear localization signal, and the deletion of 11 C-terminal residues leads to cellular mislocalization of the protein, as well as reduced MMC resistance compared to the wild-type protein (PMID: 12966089). For these reasons, this variant has been classified as Pathogenic.